The following is an entry in ClinVar:

ClinVar aggregate classification (germline): Pathogenic/Likely pathogenic. Review status: criteria provided, multiple submitters, no conflicts (2 of 4 stars). 3 submissions from 3 submitters: Pathogenic (1); Likely pathogenic (1). 1 of the submissions does not count toward it. Last evaluated 2025-12-23.

Conditions:
Sjögren-Larsson syndrome (SLS). Also called: FALDH DEFICIENCY; FATTY ALCOHOL:NAD+ OXIDOREDUCTASE DEFICIENCY; FATTY ALDEHYDE DEHYDROGENASE DEFICIENCY; ICHTHYOSIS, SPASTIC NEUROLOGIC DISORDER, AND OLIGOPHRENIA. Identifiers: Orphanet 816, MedGen C0037231, MONDO:0010031, OMIM 270200.

Submissions (3):

Natera, Inc.
Classification: Likely pathogenic for Sjögren-Larsson syndrome. Last evaluated: 2025-12-23. Review status: criteria provided, single submitter. Criteria: Natera Variant Classification Schema (03/2026). Collection method: clinical testing. Allele origin: germline.
Comment: The c.154_155delAG variant in ALDH3A2 is a frameshift variant predicted to shift the reading frame and introduce a stop codon. This variant is expected to result in nonsense mediated decay, truncation, or a dysfunctional protein product. This variant is rare in the general population with a frequency below the threshold expected for the associated phenotype(s). Given the available evidence, this variant is classified as Likely Pathogenic.

Labcorp Genetics (formerly Invitae), Labcorp
Classification: Pathogenic. Last evaluated: 2020-07-13. Review status: criteria provided, single submitter. Criteria: Invitae Variant Classification Sherloc (09022015). Collection method: clinical testing. Allele origin: germline.
Comment: For these reasons, this variant has been classified as Pathogenic. Loss-of-function variants in ALDH3A2 are known to be pathogenic (PMID: 10577908, 10854114). This variant has been observed in individual(s) with Sjögren–Larsson syndrome (PMID: 28410621). ClinVar contains an entry for this variant (Variation ID: 550860). This variant is not present in population databases (ExAC no frequency). This sequence change creates a premature translational stop signal (p.Ser52*) in the ALDH3A2 gene. It is expected to result in an absent or disrupted protein product.

Counsyl
Classification: Likely pathogenic for Sjögren-Larsson syndrome. Last evaluated: 2017-03-24. Review status: no assertion criteria provided. Collection method: clinical testing. Allele origin: unknown. Not counted in ClinVar's aggregate classification.

Literature cited by the submitters: PubMed 10577908 (cited by Labcorp Genetics (formerly Invitae), Labcorp); PubMed 10854114 (cited by Labcorp Genetics (formerly Invitae), Labcorp); PubMed 28410621 (cited by Labcorp Genetics (formerly Invitae), Labcorp).

NM_000382.2(ALDH3A2):c.154_155delAG

Gene: ALDH3A2 (aldehyde dehydrogenase 3 family member A2; plus strand). Cytogenetic location: 17p11.2.
Variant type: Microsatellite.
Coding change: c.154_155delAG on transcript NM_000382.2; coding-DNA positions 154 to 155, 2 bases deleted (AG).
Genome position (GRCh38, 1-based): chr17:19,651,547-19,651,548, AG deleted; deleting any 2 consecutive bases within chr17:19,651,545-19,651,548 gives the same sequence; the c. name uses the placement nearest the transcript's 3' end. VCF-style (leftmost placement, unchanged base first): chr17-19651544-CAG-C. GRCh37 (hg19) VCF-style: chr17-19554857-CAG-C.
Identifiers: ClinVar variation 550860 (VCV000550860.9), dbSNP rs1428029642, ClinGen allele CA625319962.